The following is an entry in ClinVar:

NC_000004.12:g.(?_5562838)_(5758135_?)del

Genes: EVC (EvC ciliary complex subunit 1; plus strand), EVC2 (EvC ciliary complex subunit 2; minus strand). Cytogenetic location: 4p16.2.
Variant type: Deletion.
Identifiers: ClinVar variation 832223 (VCV000832223.2).

ClinVar aggregate classification (germline): Pathogenic (1 of 4 stars; one submission).

Conditions:
Ellis-van Creveld syndrome (EVC). Also called: EVC-Related Ellis-van Creveld Syndrome; EVC2-Related Ellis-van Creveld Syndrome; MESOECTODERMAL DYSPLASIA; Chondroectodermal dysplasia. Identifiers: Orphanet 289, MedGen C0013903, MONDO:0009162, OMIM 225500.
Curry-Hall syndrome (WAD). Also called: WEYERS ACRODENTAL DYSOSTOSIS. Identifiers: Orphanet 952, MedGen C0457013, MONDO:0008673, OMIM 193530.

Submission:

Labcorp Genetics (formerly Invitae), Labcorp
Classification: Pathogenic for Curry-Hall syndrome; Ellis-van Creveld syndrome. Last evaluated: 2019-03-11. Review status: criteria provided, single submitter. Criteria: Invitae Variant Classification Sherloc (09022015). Collection method: clinical testing. Allele origin: germline.
Comment: This variant is a gross deletion of the genomic region encompassing exons 1-11 of the EVC gene, which includes the initiator codon. The 5' end of this event is unknown as it extends beyond the assayed region for this gene and therefore may encompass additional genes. The 3' boundary is likely confined to intron 11 of the EVC gene. This is expected to result in an absent or disrupted protein product. Isolated deletions of EVC exons 1-11 have not been reported in the literature. However, larger copy number events that include these exons in addition to other genes have been reported (PMID: 18454448, 25174843). Loss-of-function variants in EVC are known to be pathogenic (PMID: 23220543). For these reasons, this variant has been classified as Pathogenic.

Literature cited by the submitters: PubMed 18454448; PubMed 25174843.